The following is an entry in ClinVar:

ClinVar aggregate classification (germline): Likely benign. Review status: criteria provided, multiple submitters, no conflicts (2 of 4 stars). 3 submissions from 3 submitters: Likely benign (3). Last evaluated 2024-06-22.

Conditions:
Capillary malformation-arteriovenous malformation syndrome. Also called: Capillary malformation-arteriovenous malformation. Identifiers: Orphanet 137667, MedGen C1842180, MONDO:0012016.
Cardiovascular phenotype. Identifiers: MedGen CN230736.
Capillary malformation-arteriovenous malformation 1 (CMAVM1). Identifiers: Orphanet 137667, Orphanet 693907, MedGen C4747394, MONDO:0020783, OMIM 608354.

Allele frequency attached by ClinVar (database versions not stated): ExAC 0.00002; gnomAD 0.00001; TOPMed 0.00001; gnomAD exomes 0.00002 and 0.00001.
gnomAD v4.1: 29 of 1,609,676 alleles (0.0018%); highest among the groups gnomAD compares: Non-Finnish European, 0.0023%; no homozygotes.

Submissions (3):

Ambry Genetics
Classification: Likely benign for Cardiovascular phenotype. Last evaluated: 2024-06-22. Review status: criteria provided, single submitter. Criteria: Ambry Variant Classification Scheme 2023. Collection method: clinical testing. Allele origin: germline.

Labcorp Genetics (formerly Invitae), Labcorp
Classification: Likely benign for Capillary malformation-arteriovenous malformation syndrome. Last evaluated: 2024-02-24. Review status: criteria provided, single submitter. Criteria: Invitae Variant Classification Sherloc (09022015). Collection method: clinical testing. Allele origin: germline.

Illumina Laboratory Services, Illumina
Classification: Likely benign for Capillary malformation-arteriovenous malformation 1. Last evaluated: 2018-01-12. Review status: criteria provided, single submitter. Criteria: ICSL Variant Classification Criteria 13 December 2019. Collection method: clinical testing. Allele origin: germline.
Comment: This variant was observed in the ICSL laboratory as part of a predisposition screen in an ostensibly healthy population. It had not been previously curated by ICSL or reported in the Human Gene Mutation Database (HGMD: prior to June 1st, 2018), and was therefore a candidate for classification through an automated scoring system. Utilizing variant allele frequency, disease prevalence and penetrance estimates, and inheritance mode, an automated score was calculated to assess if this variant is too frequent to cause the disease. Based on the score and internal cut-off values, a variant classified as likely benign is not then subjected to further curation. The score for this variant resulted in a classification of likely benign for this disease.

NM_002890.3(RASA1):c.1305T>C (p.Tyr435=)

Genes: CCNH (cyclin H; minus strand), RASA1 (RAS p21 protein activator 1; plus strand). Cytogenetic location: 5q14.3.
Variant type: single nucleotide variant.
Coding change: c.1305T>C on transcript NM_002890.3 (MANE Select); coding-DNA position 1305, T replaced by C.
Protein change: p.Tyr435=; no amino-acid change (tyrosine 435 retained).
Molecular consequence: synonymous variant. On other transcripts: intron variant (1).
Genome position (GRCh38, 1-based): chr5:87,353,208, T>C. VCF-style: chr5-87353208-T-C. GRCh37 (hg19) VCF-style: chr5-86649025-T-C.
Other names: c.774T>C, p.Tyr258= (NM_022650.3); c.934-40413A>G (NM_001364075.2).
Identifiers: ClinVar variation 354515 (VCV000354515.15), dbSNP rs778801311, ClinGen allele CA3335705.